The following is an entry in ClinVar:

ClinVar aggregate classification (germline): Uncertain significance (1 of 4 stars; one submission).

Submission:

Labcorp Genetics (formerly Invitae), Labcorp
Classification: Uncertain significance. Last evaluated: 2023-03-04. Review status: criteria provided, single submitter. Criteria: Invitae Variant Classification Sherloc (09022015). Collection method: clinical testing. Allele origin: germline.
Comment: In summary, the available evidence is currently insufficient to determine the role of this variant in disease. Therefore, it has been classified as a Variant of Uncertain Significance. An algorithm developed to predict the effect of missense changes on protein structure and function (PolyPhen-2) suggests that this variant is likely to be tolerated. This variant has not been reported in the literature in individuals affected with MOCS3-related conditions. This variant is not present in population databases (gnomAD no frequency). This sequence change replaces alanine, which is neutral and non-polar, with glycine, which is neutral and non-polar, at codon 138 of the MOCS3 protein (p.Ala138Gly).

NM_014484.5(MOCS3):c.413C>G (p.Ala138Gly)

Gene: MOCS3 (molybdenum cofactor synthesis 3; plus strand). Cytogenetic location: 20q13.13.
Variant type: single nucleotide variant.
Coding change: c.413C>G on transcript NM_014484.5 (MANE Select); coding-DNA position 413, C replaced by G.
Protein change: p.Ala138Gly; replaces alanine 138 with glycine.
Molecular consequence: missense variant.
Genome position (GRCh38, 1-based): chr20:50,959,255, C>G. VCF-style: chr20-50959255-C-G. GRCh37 (hg19) VCF-style: chr20-49575792-C-G.
Other names: short protein forms A138G.
Identifiers: ClinVar variation 2842938 (VCV002842938.3), dbSNP rs2515743587, ClinGen allele CA408982975.